The following is an entry in ClinVar:

NM_024642.5(GALNT12):c.1462T>C (p.Phe488Leu)

Gene: GALNT12 (polypeptide N-acetylgalactosaminyltransferase 12; plus strand). Cytogenetic location: 9q22.33.
Variant type: single nucleotide variant.
Coding change: c.1462T>C on transcript NM_024642.5 (MANE Select); coding-DNA position 1462, T replaced by C.
Protein change: p.Phe488Leu; replaces phenylalanine 488 with leucine.
Molecular consequence: missense variant.
Genome position (GRCh38, 1-based): chr9:98,845,980, T>C. VCF-style: chr9-98845980-T-C. GRCh37 (hg19) VCF-style: chr9-101608262-T-C.
Other names: short protein forms F488L.
Identifiers: ClinVar variation 2598940 (VCV002598940.3), dbSNP rs2490557278, ClinGen allele CA374221592.

ClinVar aggregate classification (germline): Uncertain significance (1 of 4 stars; one submission).

Submission:

Ambry Genetics
Classification: Uncertain significance. Last evaluated: 2025-11-12. Review status: criteria provided, single submitter. Criteria: Ambry Variant Classification Scheme 2023. Collection method: clinical testing. Allele origin: germline.
Comment: The p.F488L variant (also known as c.1462T>C), located in coding exon 9 of the GALNT12 gene, results from a T to C substitution at nucleotide position 1462. The phenylalanine at codon 488 is replaced by leucine, an amino acid with highly similar properties. This amino acid position is conserved. In addition, the in silico prediction for this alteration is inconclusive. Since supporting evidence is limited at this time, the clinical significance of this alteration remains unclear.